The following is an entry in ClinVar:

NM_001375808.2(LPIN2):c.777G>T (p.Glu259Asp)

Gene: LPIN2 (lipin 2; minus strand). Cytogenetic location: 18p11.31.
Variant type: single nucleotide variant.
Coding change: c.777G>T on transcript NM_001375808.2 (MANE Select); coding-DNA position 777, G replaced by T.
Protein change: p.Glu259Asp; replaces glutamic acid 259 with aspartic acid.
Molecular consequence: missense variant.
Genome position (GRCh38, 1-based): chr18:2,939,525, C>A on the plus strand (G>T on the coding strand, the complement: LPIN2 is on the minus strand). VCF-style: chr18-2939525-C-A. GRCh37 (hg19) VCF-style: chr18-2939523-C-A.
Other names: c.777G>T, p.Glu259Asp (NM_001375809.1, NM_014646.2); short protein forms E259D.
Identifiers: ClinVar variation 1007691 (VCV001007691.7), dbSNP rs772512144, ClinGen allele CA8873292.

ClinVar aggregate classification (germline): Uncertain significance. Review status: criteria provided, multiple submitters, no conflicts (2 of 4 stars). 2 submissions from 2 submitters: Uncertain significance (2). Last evaluated 2023-03-22.

Conditions:
Majeed syndrome (MJDS). Also called: LPIN2-Related Majeed Syndrome; CHRONIC RECURRENT MULTIFOCAL OSTEOMYELITIS 1, WITH CONGENITAL DYSERYTHROPOIETIC ANEMIA, WITH OR WITHOUT NEUTROPHILIC DERMATOSIS. Identifiers: Orphanet 77297, MedGen C1864997, MONDO:0012316, OMIM 609628.
Inborn genetic diseases. Identifiers: MedGen C0950123, MeSH D030342.

Allele frequency attached by ClinVar (database versions not stated): ExAC 0.00001; gnomAD 0.00001; gnomAD exomes 0.00001; TOPMed 0.00002.
gnomAD v4.1: 21 of 1,613,956 alleles (0.0013%); highest among the groups gnomAD compares: Non-Finnish European, 0.0017%; no homozygotes.

Submissions (2):

Ambry Genetics
Classification: Uncertain significance for Inborn genetic diseases. Last evaluated: 2023-03-22. Review status: criteria provided, single submitter. Criteria: Ambry Variant Classification Scheme 2023. Collection method: clinical testing. Allele origin: germline.

Labcorp Genetics (formerly Invitae), Labcorp
Classification: Uncertain significance for Majeed syndrome. Last evaluated: 2022-07-25. Review status: criteria provided, single submitter. Criteria: Invitae Variant Classification Sherloc (09022015). Collection method: clinical testing. Allele origin: germline.
Comment: This sequence change replaces glutamic acid, which is acidic and polar, with aspartic acid, which is acidic and polar, at codon 259 of the LPIN2 protein (p.Glu259Asp). This variant is present in population databases (rs772512144, gnomAD 0.002%). This variant has not been reported in the literature in individuals affected with LPIN2-related conditions. ClinVar contains an entry for this variant (Variation ID: 1007691). Algorithms developed to predict the effect of missense changes on protein structure and function (SIFT, PolyPhen-2, Align-GVGD) all suggest that this variant is likely to be tolerated. In summary, the available evidence is currently insufficient to determine the role of this variant in disease. Therefore, it has been classified as a Variant of Uncertain Significance.